The following is an entry in ClinVar:

ClinVar aggregate classification (germline): Uncertain significance. Review status: criteria provided, multiple submitters, no conflicts (2 of 4 stars). 2 submissions from 2 submitters: Uncertain significance (2). Last evaluated 2021-09-10.

Conditions:
Inborn genetic diseases. Identifiers: MedGen C0950123, MeSH D030342.
46,XY sex reversal 6. Also called: 46,XY GONADAL DYSGENESIS, PARTIAL OR COMPLETE, MAP3K1-RELATED; 46,XY SEX REVERSAL, PARTIAL OR COMPLETE, MAP3K1-RELATED. Identifiers: MedGen C3151064, MONDO:0013410, OMIM 613762.

Allele frequency attached by ClinVar (database versions not stated): TOPMed below 0.00001; ExAC 0.00003; gnomAD exomes 0.00003 and 0.00004.
gnomAD v4.1: 40 of 1,614,124 alleles (0.0025%); highest among the groups gnomAD compares: South Asian, 0.032%; no homozygotes.

Submissions (2):

Labcorp Genetics (formerly Invitae), Labcorp
Classification: Uncertain significance for 46,XY sex reversal 6. Last evaluated: 2021-09-10. Review status: criteria provided, single submitter. Criteria: Invitae Variant Classification Sherloc (09022015). Collection method: clinical testing. Allele origin: germline.
Comment: In summary, the available evidence is currently insufficient to determine the role of this variant in disease. Therefore, it has been classified as a Variant of Uncertain Significance. This sequence change replaces serine with cysteine at codon 1089 of the MAP3K1 protein (p.Ser1089Cys). The serine residue is highly conserved and there is a moderate physicochemical difference between serine and cysteine. This variant is present in population databases (rs755658722, ExAC 0.02%). This variant has not been reported in the literature in individuals affected with MAP3K1-related conditions. Algorithms developed to predict the effect of missense changes on protein structure and function are either unavailable or do not agree on the potential impact of this missense change (SIFT: "Deleterious"; PolyPhen-2: "Benign"; Align-GVGD: "Class C15").

Ambry Genetics
Classification: Uncertain significance for Inborn genetic diseases. Last evaluated: 2021-08-10. Review status: criteria provided, single submitter. Criteria: Ambry Variant Classification Scheme 2023. Collection method: clinical testing. Allele origin: germline.

NM_005921.2(MAP3K1):c.3266C>G (p.Ser1089Cys)

Genes: MAP3K1 (mitogen-activated protein kinase kinase kinase 1; plus strand), LOC126807392 (CDK7 strongly-dependent group 2 enhancer GRCh37_chr5:56178189-56179388; plus strand). Cytogenetic location: 5q11.2.
Variant type: single nucleotide variant.
Coding change: c.3266C>G on transcript NM_005921.2 (MANE Select); coding-DNA position 3266, C replaced by G.
Protein change: p.Ser1089Cys; replaces serine 1089 with cysteine.
Molecular consequence: missense variant.
Genome position (GRCh38, 1-based): chr5:56,882,466, C>G. VCF-style: chr5-56882466-C-G. GRCh37 (hg19) VCF-style: chr5-56178293-C-G.
Other names: c.3266C>G (NM_005921.1); short protein forms S1089C.
Identifiers: ClinVar variation 1383329 (VCV001383329.9), dbSNP rs755658722, ClinGen allele CA3273148.